The following is an entry in ClinVar:

NM_016507.4(CDK12):c.578G>T (p.Gly193Val)

Genes: CDK12 (cyclin dependent kinase 12; plus strand), LOC126862553 (CDK7 strongly-dependent group 2 enhancer GRCh37_chr17:37618166-37619365; plus strand). Cytogenetic location: 17q12.
Variant type: single nucleotide variant.
Coding change: c.578G>T on transcript NM_016507.4 (MANE Select); coding-DNA position 578, G replaced by T.
Protein change: p.Gly193Val; replaces glycine 193 with valine.
Molecular consequence: missense variant.
Genome position (GRCh38, 1-based): chr17:39,462,649, G>T. VCF-style: chr17-39462649-G-T. GRCh37 (hg19) VCF-style: chr17-37618902-G-T.
Other names: c.578G>T, p.Gly193Val (NM_015083.4); short protein forms G193V.
Identifiers: ClinVar variation 4841674 (VCV004841674.1).
Genomic context (GRCh38, chr17:39,462,649, plus strand): 5'-AATCCAGGTCATCCAAGCTCCACAAGGAGAAGACCAGGAAAGAACGGGAGCTGAAGTCTG[G>T]GCACAAAGACCGGAGTAAAAGTCATCGAAAAAGGGAAACACCCAAAAGTTACAAAACAGT-3'
Protein context (NP_057591.2, residues 183-203): KTRKERELKS[Gly193Val]HKDRSKSHRK

ClinVar aggregate classification (germline): Uncertain significance (1 of 4 stars; one submission).

Submission:

Ambry Genetics
Classification: Uncertain significance. Last evaluated: 2025-12-20. Review status: criteria provided, single submitter. Criteria: Ambry Variant Classification Scheme 2023. Collection method: clinical testing. Allele origin: germline.
Comment: The p.G193V variant (also known as c.578G>T), located in coding exon 1 of the CDK12 gene, results from a G to T substitution at nucleotide position 578. The glycine at codon 193 is replaced by valine, an amino acid with dissimilar properties. This amino acid position is conserved. In addition, this alteration is predicted to be tolerated by in silico analysis. Based on the available evidence, the clinical significance of this variant remains unclear.